The following is an entry in ClinVar:

NM_001846.4(COL4A2):c.4414C>T (p.Arg1472Cys)

Genes: COL4A2 (collagen type IV alpha 2 chain; plus strand), COL4A2-AS1 (COL4A2 antisense RNA 1; minus strand). Cytogenetic location: 13q34.
Variant type: single nucleotide variant.
Coding change: c.4414C>T on transcript NM_001846.4 (MANE Select); coding-DNA position 4414, C replaced by T.
Protein change: p.Arg1472Cys; replaces arginine 1472 with cysteine.
Molecular consequence: missense variant.
Genome position (GRCh38, 1-based): chr13:110,506,426, C>T. VCF-style: chr13-110506426-C-T. GRCh37 (hg19) VCF-style: chr13-111158773-C-T.
Other names: short protein forms R1472C.
Identifiers: ClinVar variation 883649 (VCV000883649.4), dbSNP rs779703009, ClinGen allele CA7050535.

ClinVar aggregate classification (germline): Benign (1 of 4 stars; one submission).

Conditions:
Brain small vessel disease 2A, autosomal dominant. Also called: Porencephaly 2. Identifiers: Orphanet 2940, Orphanet 99810, MedGen C3280970, MONDO:0013773, OMIM 614483.

Allele frequency attached by ClinVar (database versions not stated): gnomAD 0.00001; gnomAD exomes 0.00001; ExAC 0.00002; TOPMed 0.00002.
gnomAD v4.1: 79 of 1,610,642 alleles (0.0049%); highest among the groups gnomAD compares: East Asian, 0.17%; no homozygotes.

Submission:

Illumina Laboratory Services, Illumina
Classification: Benign for Brain small vessel disease 2A, autosomal dominant. Last evaluated: 2018-01-12. Review status: criteria provided, single submitter. Criteria: ICSL Variant Classification Criteria 13 December 2019. Collection method: clinical testing. Allele origin: germline.
Comment: This variant was observed in the ICSL laboratory as part of a predisposition screen in an ostensibly healthy population. It had not been previously curated by ICSL or reported in the Human Gene Mutation Database (HGMD: prior to June 1st, 2018), and was therefore a candidate for classification through an automated scoring system. Utilizing variant allele frequency, disease prevalence and penetrance estimates, and inheritance mode, an automated score was calculated to assess if this variant is too frequent to cause the disease. Based on the score and internal cut-off values, a variant classified as benign is not then subjected to further curation. The score for this variant resulted in a classification of benign for this disease.